The following is an entry in ClinVar:

ClinVar aggregate classification (germline): Conflicting classifications of pathogenicity. Review status: criteria provided, conflicting classifications (1 of 4 stars). 2 submissions from 2 submitters: Uncertain significance (1); Likely benign (1). Last evaluated 2025-04-21.

Conditions:
Deafness-lymphedema-leukemia syndrome. Also called: Lymphedema, primary, with myelodysplasia; Emberger syndrome. Identifiers: Orphanet 3226, MedGen C3279664, MONDO:0013540, OMIM 614038.
GATA2 deficiency with susceptibility to MDS/AML. Identifiers: MedGen CN300066, MONDO:0042982.
Monocytopenia with susceptibility to infections. Also called: GATA2 DEFICIENCY; MONOCYTOPENIA AND MYCOBACTERIAL INFECTION SYNDROME; MONOCYTOPENIA WITH SUSCEPTIBILITY TO MYCOBACTERIAL, FUNGAL, AND PAPILLOMAVIRUS INFECTIONS AND MYELODYSPLASIA; COMBINED IMMUNODEFICIENCY WITH SUSCEPTIBILITY TO MYCOBACTERIAL, VIRAL, AND FUNGAL INFECTIONS; Dendritic cell, monocyte, B lymphocyte, and natural killer lymphocyte deficiency; IMMUNODEFICIENCY 21. Identifiers: Orphanet 228423, MedGen C3280030, MONDO:0013607, OMIM 614172.

Submissions (2):

Labcorp Genetics (formerly Invitae), Labcorp
Classification: Likely benign for Monocytopenia with susceptibility to infections; Deafness-lymphedema-leukemia syndrome. Last evaluated: 2025-04-21. Review status: criteria provided, single submitter. Criteria: Invitae Variant Classification Sherloc (09022015). Collection method: clinical testing. Allele origin: germline.

Molecular Pathology Research Laboratory, SA Pathology
Classification: Uncertain significance for GATA2 deficiency with susceptibility to MDS/AML; Deafness-lymphedema-leukemia syndrome. Last evaluated: 2021-07-06. Review status: criteria provided, single submitter. Criteria: ACMG Guidelines, 2015. Collection method: curation. Allele origin: unknown. Inheritance: Autosomal dominant inheritance. Affected: yes. Observed: 1 variant allele.
Comment: PS4_Supporting, PM2

Literature cited by the submitters: PubMed 26702063 (cited by Molecular Pathology Research Laboratory, SA Pathology).

NM_032638.5(GATA2):c.1017+693dup

Gene: GATA2 (GATA binding protein 2; minus strand). Cytogenetic location: 3q21.3.
Variant type: Duplication.
Coding change: c.1017+693dup on transcript NM_032638.5 (MANE Select); 693 bases into the intron after coding-DNA position 1017, one base duplicated (T; older notation c.1017+693dupT).
Molecular consequence: intron variant.
Genome position (GRCh38, 1-based): chr3:128,483,162, A duplicated on the plus strand (T on the coding strand, the reverse complement: GATA2 is on the minus strand); the first of 6 consecutive A bases (chr3:128,483,162-128,483,167); duplicating any one gives the same sequence. VCF-style (leftmost placement, unchanged base first): chr3-128483161-G-GA. GRCh37 (hg19) VCF-style: chr3-128202004-G-GA.
Other names: c.1017+698dupT (NM_032638.5); c.1017+693dup (NM_001145662.1, NM_001145661.2).
Identifiers: ClinVar variation 1184023 (VCV001184023.6), dbSNP rs1255750954, ClinGen allele CA898648946.